The following is an entry in ClinVar:

ClinVar aggregate classification (germline): Uncertain significance. Review status: criteria provided, multiple submitters, no conflicts (2 of 4 stars). 3 submissions from 3 submitters: Uncertain significance (3). Last evaluated 2024-11-06.

Conditions:
Transcobalamin II deficiency (TCN2D). Also called: TC II DEFICIENCY; TCN2 DEFICIENCY; Transcolabamin II deficiency. Identifiers: Orphanet 859, MedGen C0342701, MONDO:0010149, OMIM 275350.

Allele frequency attached by ClinVar (database versions not stated): gnomAD 0.00001; gnomAD exomes 0.00002 and 0.00004; TOPMed 0.00004; ExAC 0.00005.
gnomAD v4.1: 35 of 1,613,844 alleles (0.0022%); highest among the groups gnomAD compares: East Asian, 0.033%; no homozygotes.

Submissions (3):

Blueprint Genetics
Classification: Uncertain significance. Last evaluated: 2024-11-06. Review status: criteria provided, single submitter. Criteria: ACMG Guidelines, 2015. Collection method: clinical testing. Allele origin: germline.

Labcorp Genetics (formerly Invitae), Labcorp
Classification: Uncertain significance for Transcobalamin II deficiency. Last evaluated: 2022-07-25. Review status: criteria provided, single submitter. Criteria: Invitae Variant Classification Sherloc (09022015). Collection method: clinical testing. Allele origin: germline.
Comment: This sequence change replaces glycine, which is neutral and non-polar, with arginine, which is basic and polar, at codon 390 of the TCN2 protein (p.Gly390Arg). This variant is present in population databases (rs367605153, gnomAD 0.03%). This variant has not been reported in the literature in individuals affected with TCN2-related conditions. ClinVar contains an entry for this variant (Variation ID: 626028). Algorithms developed to predict the effect of missense changes on protein structure and function output the following: SIFT: "Tolerated"; PolyPhen-2: "Benign"; Align-GVGD: "Class C0". The arginine amino acid residue is found in multiple mammalian species, which suggests that this missense change does not adversely affect protein function. In summary, the available evidence is currently insufficient to determine the role of this variant in disease. Therefore, it has been classified as a Variant of Uncertain Significance.

Center for Genomics, Ann and Robert H. Lurie Children's Hospital of Chicago
Classification: Uncertain significance for Transcobalamin II deficiency. Last evaluated: 2021-03-30. Review status: criteria provided, single submitter. Criteria: ACMG Guidelines, 2015. Collection method: clinical testing. Allele origin: germline.
Comment: TCN2 NM_000355.3 exon 8 p.Gly390Arg (c.1168G>A):This variant has not been reported in the literature but is present in 5/17248 East Asian alleles in the Genome Aggregation Database. Evolutionary conservation and computational predictive tools suggest that this variant may not impact the protein. In summary, data on this variant is insufficient for disease classification. Therefore, the clinical significance of this variant is uncertain.

NM_000355.4(TCN2):c.1168G>A (p.Gly390Arg)

Gene: TCN2 (transcobalamin 2; plus strand). Cytogenetic location: 22q12.2.
Variant type: single nucleotide variant.
Coding change: c.1168G>A on transcript NM_000355.4 (MANE Select); coding-DNA position 1168, G replaced by A.
Protein change: p.Gly390Arg; replaces glycine 390 with arginine.
Molecular consequence: missense variant.
Genome position (GRCh38, 1-based): chr22:30,623,029, G>A. VCF-style: chr22-30623029-G-A. GRCh37 (hg19) VCF-style: chr22-31019016-G-A.
Other names: c.1087G>A, p.Gly363Arg (NM_001184726.2); short protein forms G390R, G363R.
Identifiers: ClinVar variation 626028 (VCV000626028.5), dbSNP rs367605153, ClinGen allele CA10185007.
Genomic context (GRCh38, chr22:30,623,029, plus strand): 5'-TATGAAACACAGGCCTCCTTGTCAGGCCCCTACTTAACCTCCGTGATGGGGAAAGCGGCC[G>A]GAGAAAGGGAGTTCTGGCAGCTTCTCCGAGACCCCAACACCCCACTGTTGCAAGGTGAGT-3'
Protein context (NP_000346.2, residues 380-400): YLTSVMGKAA[Gly390Arg]EREFWQLLRD